The following is an entry in ClinVar:

NM_015425.6(POLR1A):c.4390G>A (p.Glu1464Lys)

Gene: POLR1A (RNA polymerase I subunit A; minus strand). Cytogenetic location: 2p11.2.
Variant type: single nucleotide variant.
Coding change: c.4390G>A on transcript NM_015425.6 (MANE Select); coding-DNA position 4390, G replaced by A.
Protein change: p.Glu1464Lys; replaces glutamic acid 1464 with lysine.
Molecular consequence: missense variant.
Genome position (GRCh38, 1-based): chr2:86,031,518, C>T on the plus strand (G>A on the coding strand, the complement: POLR1A is on the minus strand). VCF-style: chr2-86031518-C-T. GRCh37 (hg19) VCF-style: chr2-86258641-C-T.
Other names: short protein forms E1464K.
Identifiers: ClinVar variation 1924424 (VCV001924424.5), dbSNP rs2466308489, ClinGen allele CA347546764.

ClinVar aggregate classification (germline): Uncertain significance (1 of 4 stars; one submission).

Submission:

Labcorp Genetics (formerly Invitae), Labcorp
Classification: Uncertain significance. Last evaluated: 2025-02-24. Review status: criteria provided, single submitter. Criteria: Invitae Variant Classification Sherloc (09022015). Collection method: clinical testing. Allele origin: germline.
Comment: This sequence change replaces glutamic acid, which is acidic and polar, with lysine, which is basic and polar, at codon 1464 of the POLR1A protein (p.Glu1464Lys). This variant is not present in population databases (gnomAD no frequency). This variant has not been reported in the literature in individuals affected with POLR1A-related conditions. ClinVar contains an entry for this variant (Variation ID: 1924424). An algorithm developed to predict the effect of missense changes on protein structure and function outputs the following: PolyPhen-2: "Benign". The lysine amino acid residue is found in multiple mammalian species, which suggests that this missense change does not adversely affect protein function. In summary, the available evidence is currently insufficient to determine the role of this variant in disease. Therefore, it has been classified as a Variant of Uncertain Significance.